The following is an entry in ClinVar:

ClinVar aggregate classification (germline): Uncertain significance. Review status: criteria provided, multiple submitters, no conflicts (2 of 4 stars). 2 submissions from 2 submitters: Uncertain significance (2). Last evaluated 2026-05-01.

gnomAD v4.1: 1 of 1,613,998 alleles (0.000062%); highest among the groups gnomAD compares: Admixed American, 0.0017%; no homozygotes.

Submissions (2):

CeGaT Center for Human Genetics Tuebingen
Classification: Uncertain significance. Last evaluated: 2026-05-01. Review status: criteria provided, single submitter. Criteria: CeGaT Center For Human Genetics Tuebingen Variant Classification Criteria Version 2. Collection method: clinical testing. Allele origin: germline. Affected: yes. Observed: 1 variant allele.
Comment: GHSR: PM2

Labcorp Genetics (formerly Invitae), Labcorp
Classification: Uncertain significance. Last evaluated: 2024-05-23. Review status: criteria provided, single submitter. Criteria: Invitae Variant Classification Sherloc (09022015). Collection method: clinical testing. Allele origin: germline.
Comment: This sequence change replaces valine, which is neutral and non-polar, with alanine, which is neutral and non-polar, at codon 214 of the GHSR protein (p.Val214Ala). This variant is present in population databases (no rsID available, gnomAD 0.003%). This variant has not been reported in the literature in individuals affected with GHSR-related conditions. Advanced modeling of protein sequence and biophysical properties (such as structural, functional, and spatial information, amino acid conservation, physicochemical variation, residue mobility, and thermodynamic stability) performed at Invitae indicates that this missense variant is not expected to disrupt GHSR protein function with a negative predictive value of 80%. In summary, the available evidence is currently insufficient to determine the role of this variant in disease. Therefore, it has been classified as a Variant of Uncertain Significance.

NM_198407.2(GHSR):c.641T>C (p.Val214Ala)

Gene: GHSR (growth hormone secretagogue receptor; minus strand). Cytogenetic location: 3q26.31.
Variant type: single nucleotide variant.
Coding change: c.641T>C on transcript NM_198407.2 (MANE Select); coding-DNA position 641, T replaced by C.
Protein change: p.Val214Ala; replaces valine 214 with alanine.
Molecular consequence: missense variant.
Genome position (GRCh38, 1-based): chr3:172,447,773, A>G on the plus strand (T>C on the coding strand, the complement: GHSR is on the minus strand). VCF-style: chr3-172447773-A-G. GRCh37 (hg19) VCF-style: chr3-172165563-A-G.
Other names: c.641T>C, p.Val214Ala (NM_004122.2); short protein forms V214A.
Identifiers: ClinVar variation 3697216 (VCV003697216.4).
Genomic context (GRCh38, chr3:172,447,773, plus strand): 5'-AGACTGTAGAGGACCGTGAGACAGAAGACAGGAAGGAAGAAGAAGATGCTGGACACCCAC[A>G]CCATGACCGTGAGCAGTCCAGAGCGCACCGCAAACTCGGTGGGGCGGCACTCGTTGGTGT-3'
Protein context (NP_940799.1, residues 204-224): AVRSGLLTVM[Val214Ala]WVSSIFFFLP